The following is an entry in ClinVar:

ClinVar aggregate classification (germline): Conflicting classifications of pathogenicity. Review status: criteria provided, conflicting classifications (1 of 4 stars). 3 submissions from 3 submitters: Uncertain significance (2); Likely benign (1). Last evaluated 2025-12-04.

Conditions:
Inborn genetic diseases. Identifiers: MedGen C0950123, MeSH D030342.
NEFH-related disorder. Also called: NEFH-related condition.

Allele frequency attached by ClinVar (database versions not stated): gnomAD exomes 0.00001 and 0.00003; ExAC 0.00002; gnomAD 0.00013 and 0.00014; TOPMed 0.00016; ESP Exome Variant Server 0.00023.
gnomAD v4.1: 30 of 1,613,850 alleles (0.0019%); highest among the groups gnomAD compares: African/African-American, 0.04%; no homozygotes.

Submissions (3):

PreventionGenetics, part of Exact Sciences
Classification: Uncertain significance for NEFH-related condition. Last evaluated: 2025-12-04. Review status: criteria provided, single submitter. Criteria: ACMG Guidelines, 2015. Collection method: clinical testing. Allele origin: germline.
Comment: The NEFH c.1040C>G variant is predicted to result in the amino acid substitution p.Ser347Cys. To our knowledge, this variant has not been reported in the literature. This variant is reported in 0.048% of alleles in individuals of African descent in gnomAD. At this time, the clinical significance of this variant is uncertain due to the absence of conclusive functional and genetic evidence.

Labcorp Genetics (formerly Invitae), Labcorp
Classification: Uncertain significance. Last evaluated: 2024-11-18. Review status: criteria provided, single submitter. Criteria: Invitae Variant Classification Sherloc (09022015). Collection method: clinical testing. Allele origin: germline.
Comment: This sequence change replaces serine, which is neutral and polar, with cysteine, which is neutral and slightly polar, at codon 347 of the NEFH protein (p.Ser347Cys). This variant is present in population databases (rs12159483, gnomAD 0.05%). This variant has not been reported in the literature in individuals affected with NEFH-related conditions. ClinVar contains an entry for this variant (Variation ID: 1429793). An algorithm developed to predict the effect of missense changes on protein structure and function outputs the following: PolyPhen-2: "Not Available". The cysteine amino acid residue is found in multiple mammalian species, which suggests that this missense change does not adversely affect protein function. In summary, the available evidence is currently insufficient to determine the role of this variant in disease. Therefore, it has been classified as a Variant of Uncertain Significance.

Ambry Genetics
Classification: Likely benign for Inborn genetic diseases. Last evaluated: 2021-01-13. Review status: criteria provided, single submitter. Criteria: Ambry Variant Classification Scheme 2023. Collection method: clinical testing. Allele origin: germline.

NM_021076.4(NEFH):c.1040C>G (p.Ser347Cys)

Gene: NEFH (neurofilament heavy chain; plus strand). Cytogenetic location: 22q12.2.
Variant type: single nucleotide variant.
Coding change: c.1040C>G on transcript NM_021076.4 (MANE Select); coding-DNA position 1040, C replaced by G.
Protein change: p.Ser347Cys; replaces serine 347 with cysteine.
Molecular consequence: missense variant.
Genome position (GRCh38, 1-based): chr22:29,483,531, C>G. VCF-style: chr22-29483531-C-G. GRCh37 (hg19) VCF-style: chr22-29879520-C-G.
Other names: short protein forms S347C.
Identifiers: ClinVar variation 1429793 (VCV001429793.9), dbSNP rs12159483, ClinGen allele CA10174095.